The following is an entry in ClinVar:

ClinVar aggregate classification (germline): Pathogenic/Likely pathogenic. Review status: criteria provided, multiple submitters, no conflicts (2 of 4 stars). 4 submissions from 4 submitters: Pathogenic (2); Likely pathogenic (2). Last evaluated 2025-04-23.

Conditions:
Citrullinemia, type II, adult-onset (CDAA). Also called: CITRIN DEFICIENCY, ADOLESCENT OR ADULT ONSET. Identifiers: Orphanet 247585, MedGen CN295299, MONDO:0011326, OMIM 603471.
Citrullinemia. Identifiers: Orphanet 187, MedGen C0175683, MONDO:0015991.
Citrin deficiency. Identifiers: Orphanet 247582, MedGen C1997910, MONDO:0016602.

Submissions (4):

GeneDx
Classification: Pathogenic. Last evaluated: 2025-04-23. Review status: criteria provided, single submitter. Criteria: GeneDx Variant Classification Process June 2021. Collection method: clinical testing. Allele origin: germline. Affected: yes.
Comment: Frameshift variant predicted to result in protein truncation or nonsense mediated decay in a gene for which loss of function is a known mechanism of disease; Not observed at significant frequency in large population cohorts (gnomAD); Has not been previously published as pathogenic or benign in association with an SLC25A13-related disorder to our knowledge; This variant is associated with the following publications: (PMID: 34308104)

Labcorp Genetics (formerly Invitae), Labcorp
Classification: Pathogenic for Citrin deficiency. Last evaluated: 2025-03-29. Review status: criteria provided, single submitter. Criteria: Invitae Variant Classification Sherloc (09022015). Collection method: clinical testing. Allele origin: germline.
Comment: This sequence change creates a premature translational stop signal (p.Arg191Alafs*5) in the SLC25A13 gene. It is expected to result in an absent or disrupted protein product. Loss-of-function variants in SLC25A13 are known to be pathogenic (PMID: 10369257, 14680984, 27405544). This variant is not present in population databases (gnomAD no frequency). This variant has not been reported in the literature in individuals affected with SLC25A13-related conditions. ClinVar contains an entry for this variant (Variation ID: 838520). For these reasons, this variant has been classified as Pathogenic.

Natera, Inc.
Classification: Likely pathogenic for Citrullinemia. Last evaluated: 2024-03-28. Review status: criteria provided, single submitter. Criteria: Natera Variant Classification Schema (03/2026). Collection method: clinical testing. Allele origin: germline.
Comment: The c.571delC variant in SLC25A13 is a frameshift variant predicted to shift the reading frame beginning at codon 191 and leads to a stop codon 5 codons downstream. This variant is expected to result in nonsense mediated decay, truncation, or a dysfunctional protein product. This variant is rare in the general population with a frequency below the threshold expected for the associated phenotype(s). Given the available evidence, this variant is classified as Likely Pathogenic.

Baylor Genetics
Classification: Likely pathogenic for Citrullinemia, type II, adult-onset. Last evaluated: 2024-03-26. Review status: criteria provided, single submitter. Criteria: ACMG Guidelines, 2015. Collection method: clinical testing. Allele origin: unknown.

Literature cited by the submitters: PubMed 10369257 (cited by Labcorp Genetics (formerly Invitae), Labcorp); PubMed 14680984 (cited by Labcorp Genetics (formerly Invitae), Labcorp); PubMed 27405544 (cited by Labcorp Genetics (formerly Invitae), Labcorp).

NM_014251.3(SLC25A13):c.571del (p.Arg191fs)

Gene: SLC25A13 (solute carrier family 25 member 13; minus strand). Cytogenetic location: 7q21.3.
Variant type: Deletion.
Coding change: c.571del on transcript NM_014251.3 (MANE Select); coding-DNA position 571, one base deleted (C; older notation c.571delC).
Protein change: p.Arg191fs; shifts the reading frame from arginine 191.
Molecular consequence: frameshift variant. On other transcripts: non-coding transcript variant (1).
Genome position (GRCh38, 1-based): chr7:96,193,081, G deleted on the plus strand (C on the coding strand, the reverse complement: SLC25A13 is on the minus strand); the first of 2 consecutive G bases (chr7:96,193,081-96,193,082); deleting either gives the same sequence. VCF-style (leftmost placement, unchanged base first): chr7-96193080-CG-C. GRCh37 (hg19) VCF-style: chr7-95822392-CG-C.
Other names: c.571del, p.Arg191fs (NM_001160210.2); c.571delC (NM_014251.2); short protein forms R191fs.
Identifiers: ClinVar variation 838520 (VCV000838520.11), dbSNP rs1482630982, ClinGen allele CA844195997.